The following is an entry in ClinVar:

NM_000441.2(SLC26A4):c.655_656dup (p.Leu219fs)

Gene: SLC26A4 (solute carrier family 26 member 4; plus strand). Cytogenetic location: 7q22.3.
Variant type: Duplication.
Coding change: c.655_656dup on transcript NM_000441.2 (MANE Select); coding-DNA positions 655 to 656, 2 bases duplicated (TT; older notation c.655_656dupTT).
Protein change: p.Leu219fs; shifts the reading frame from leucine 219.
Molecular consequence: frameshift variant.
Genome position (GRCh38, 1-based): chr7:107,674,999-107,675,000, TT duplicated; duplicating any 2 consecutive bases within chr7:107,674,998-107,675,000 gives the same sequence; the c. name uses the placement nearest the transcript's 3' end. VCF-style (leftmost placement, unchanged base first): chr7-107674997-C-CTT. GRCh37 (hg19) VCF-style: chr7-107315442-C-CTT.
Other names: short protein forms L219fs.
Identifiers: ClinVar variation 4818375 (VCV004818375.1).

ClinVar aggregate classification (germline): Likely pathogenic (1 of 4 stars; one submission).

Conditions:
Pendred syndrome (PDS). Also called: THYROID DYSHORMONOGENESIS 2B; THYROID HORMONOGENESIS, GENETIC DEFECT IN, 2B; Pendred Syndrome (PDS); DEAFNESS WITH GOITER; GOITER-DEAFNESS SYNDROME; HYPOTHYROIDISM, CONGENITAL, DUE TO DYSHORMONOGENESIS, 2B. Identifiers: Orphanet 705, MedGen C0271829, MONDO:0010134, OMIM 274600.

Submission:

Natera, Inc.
Classification: Likely pathogenic for Pendred syndrome. Last evaluated: 2025-10-12. Review status: criteria provided, single submitter. Criteria: Natera Variant Classification Schema (03/2026). Collection method: clinical testing. Allele origin: germline.
Comment: The c.655_656dup variant in SLC26A4 is a frameshift variant predicted to shift the reading frame beginning at codon 219 and leads to a stop codon 19 codons downstream. This variant is expected to result in nonsense mediated decay, truncation, or a dysfunctional protein product. This variant is rare in the general population with a frequency below the threshold expected for the associated phenotype(s). Given the available evidence, this variant is classified as Likely Pathogenic.